The following is an entry in ClinVar:

ClinVar aggregate classification (germline): Likely benign. Review status: criteria provided, multiple submitters, no conflicts (2 of 4 stars). 3 submissions from 3 submitters: Likely benign (3). Last evaluated 2023-10-06.

Conditions:
Cardiomyopathy (CMYO). Also called: Cardiomyopathies. Identifiers: Orphanet 167848, MedGen C0878544, MONDO:0004994, HP:0001638. Inheritance: Various modes of inheritance.
Familial isolated arrhythmogenic right ventricular dysplasia. Identifiers: Orphanet 217656, MedGen C4274968, MONDO:0016342.
Arrhythmogenic right ventricular dysplasia 11. Also called: ARRHYTHMOGENIC RIGHT VENTRICULAR DYSPLASIA, FAMILIAL, 11; Arrhythmogenic Right Ventricular Dysplasia/Cardiomyopathy11; Arrhythmogenic right ventricular dysplasia 11 with mild palmoplantar keratoderma and woolly hair. Identifiers: MedGen C1864850, MONDO:0012506, OMIM 610476.

Allele frequency attached by ClinVar (database versions not stated): gnomAD exomes below 0.00001.
gnomAD v4.1: 1 of 1,606,496 alleles (0.000062%); highest among the groups gnomAD compares: South Asian, 0.0011%; no homozygotes.

Submissions (3):

All of Us Research Program, National Institutes of Health
Classification: Likely benign for Familial isolated arrhythmogenic right ventricular dysplasia. Last evaluated: 2023-10-06. Review status: criteria provided, single submitter. Criteria: ACMG Guidelines, 2015. Collection method: clinical testing. Allele origin: germline. Inheritance: Autosomal dominant inheritance. Observed: 1 variant allele, 1 heterozygote.
Comment: This study involves interpretation of variants in research participants for the purpose of population health screening. Participant phenotype was not available at the time of variant classification. Additional details can be found in publication PMID: 35346344, PMCID: PMC8962531

Labcorp Genetics (formerly Invitae), Labcorp
Classification: Likely benign for Arrhythmogenic right ventricular dysplasia 11. Last evaluated: 2022-11-23. Review status: criteria provided, single submitter. Criteria: Invitae Variant Classification Sherloc (09022015). Collection method: clinical testing. Allele origin: germline.

Color Diagnostics, LLC DBA Color Health
Classification: Likely benign for Cardiomyopathy. Last evaluated: 2018-11-27. Review status: criteria provided, single submitter. Criteria: ACMG Guidelines, 2015. Collection method: clinical testing. Allele origin: germline.

NM_024422.6(DSC2):c.129A>G (p.Leu43=)

Gene: DSC2 (desmocollin 2; minus strand). Cytogenetic location: 18q12.1.
Variant type: single nucleotide variant.
Coding change: c.129A>G on transcript NM_024422.6 (MANE Select); coding-DNA position 129, A replaced by G.
Protein change: p.Leu43=; no amino-acid change (leucine 43 retained).
Molecular consequence: synonymous variant.
Genome position (GRCh38, 1-based): chr18:31,093,584, T>C on the plus strand (A>G on the coding strand, the complement: DSC2 is on the minus strand). VCF-style: chr18-31093584-T-C. GRCh37 (hg19) VCF-style: chr18-28673547-T-C.
Other names: c.129A>G, p.Leu43= (NM_004949.5).
Identifiers: ClinVar variation 925632 (VCV000925632.7), dbSNP rs1987671247, ClinGen allele CA503391091.